The following is an entry in ClinVar:

NM_001042472.3(ABHD12):c.558C>T (p.Arg186=)

Gene: ABHD12 (abhydrolase domain containing 12, lysophospholipase; minus strand). Cytogenetic location: 20p11.21.
Variant type: single nucleotide variant.
Coding change: c.558C>T on transcript NM_001042472.3 (MANE Select); coding-DNA position 558, C replaced by T.
Protein change: p.Arg186=; no amino-acid change (arginine 186 retained).
Molecular consequence: synonymous variant.
Genome position (GRCh38, 1-based): chr20:25,317,063, G>A on the plus strand (C>T on the coding strand, the complement: ABHD12 is on the minus strand). VCF-style: chr20-25317063-G-A. GRCh37 (hg19) VCF-style: chr20-25297699-G-A.
Other names: c.558C>T, p.Arg186= (NM_015600.5); c.558C>T (NM_001042472.2).
Identifiers: ClinVar variation 1102040 (VCV001102040.10), dbSNP rs765372478, ClinGen allele CA9796096.

ClinVar aggregate classification (germline): Likely benign. Review status: criteria provided, multiple submitters, no conflicts (2 of 4 stars). 2 submissions from 2 submitters: Likely benign (2). Last evaluated 2025-10-06.

Conditions:
ABHD12-related disorder. Also called: ABHD12-related condition.

Allele frequency attached by ClinVar (database versions not stated): gnomAD 0.00001; gnomAD exomes 0.00002 and 0.00004; TOPMed 0.00002; ExAC 0.00004.
gnomAD v4.1: 33 of 1,612,512 alleles (0.002%); highest among the groups gnomAD compares: East Asian, 0.047%; no homozygotes.

Submissions (2):

PreventionGenetics, part of Exact Sciences
Classification: Likely benign for ABHD12-related condition. Last evaluated: 2025-10-06. Review status: criteria provided, single submitter. Criteria: ACMG Guidelines, 2015. Collection method: clinical testing. Allele origin: germline.
Comment: This variant is classified as likely benign based on ACMG/AMP sequence variant interpretation guidelines (Richards et al. 2015 PMID: 25741868, with internal and published modifications).

Labcorp Genetics (formerly Invitae), Labcorp
Classification: Likely benign. Last evaluated: 2025-09-02. Review status: criteria provided, single submitter. Criteria: Invitae Variant Classification Sherloc (09022015). Collection method: clinical testing. Allele origin: germline.